The following is an entry in ClinVar:

ClinVar aggregate classification (germline): Pathogenic (1 of 4 stars; one submission).

Conditions:
RYR1-related disorder. Also called: RYR1-related condition; RYR1-related disorders. Identifiers: MedGen CN239331.

Submission:

Labcorp Genetics (formerly Invitae), Labcorp
Classification: Pathogenic for RYR1-related disorder. Last evaluated: 2021-04-18. Review status: criteria provided, single submitter. Criteria: Invitae Variant Classification Sherloc (09022015). Collection method: clinical testing. Allele origin: germline.
Comment: This sequence change affects an acceptor splice site in intron 45 of the RYR1 gene. It is expected to disrupt RNA splicing. Variants that disrupt the donor or acceptor splice site typically lead to a loss of protein function (PMID: 16199547), and loss-of-function variants in RYR1 are known to be pathogenic (PMID: 20583297, 20839240, 23919265, 28818389). This variant is not present in population databases (ExAC no frequency). Disruption of this splice site has been observed in individual(s) with recessive central core disease (PMID: 18253926). It has also been observed to segregate with disease in related individuals. Algorithms developed to predict the effect of sequence changes on RNA splicing suggest that this variant may disrupt the consensus splice site, but this prediction has not been confirmed by published transcriptional studies. For these reasons, this variant has been classified as Pathogenic.

Literature cited by the submitters: PubMed 16199547; PubMed 20583297; PubMed 20839240; PubMed 23919265; PubMed 28818389; PubMed 18253926.

NM_000540.3(RYR1):c.7324-1G>A

Gene: RYR1 (ryanodine receptor 1; plus strand). Cytogenetic location: 19q13.2.
Variant type: single nucleotide variant.
Coding change: c.7324-1G>A on transcript NM_000540.3 (MANE Select); the canonical splice acceptor site of the intron before coding-DNA position 7324, G replaced by A.
Molecular consequence: splice acceptor variant.
Genome position (GRCh38, 1-based): chr19:38,500,605, G>A. VCF-style: chr19-38500605-G-A. GRCh37 (hg19) VCF-style: chr19-38991245-G-A.
Other names: c.7324-1G>A (NM_001042723.2).
Identifiers: ClinVar variation 1455460 (VCV001455460.8), dbSNP rs193922814, ClinGen allele CA405669801.